The following is an entry in ClinVar:

NM_000304.4(PMP22):c.320-2133T>C

Gene: PMP22 (peripheral myelin protein 22; minus strand). Cytogenetic location: 17p12.
Variant type: single nucleotide variant.
Coding change: c.320-2133T>C on transcript NM_000304.4 (MANE Select); 2133 bases into the intron before coding-DNA position 320, T replaced by C.
Molecular consequence: intron variant.
Genome position (GRCh38, 1-based): chr17:15,233,213, A>G on the plus strand (T>C on the coding strand, the complement: PMP22 is on the minus strand). VCF-style: chr17-15233213-A-G. GRCh37 (hg19) VCF-style: chr17-15136530-A-G.
Other names: c.320-2133T>C (NM_001281456.2, NM_153321.3, NM_001281455.2 and 1 more transcripts).
Identifiers: ClinVar variation 2647497 (VCV002647497.24), dbSNP rs117760569, ClinGen allele CA288864729.

ClinVar aggregate classification (germline): Likely benign (1 of 4 stars; one submission).

Allele frequency attached by ClinVar (database versions not stated): 1000 Genomes Project 0.00100; 1000 Genomes Project 30x 0.00109.
gnomAD v4.1: 257 of 152,252 alleles (0.17%); highest among the groups gnomAD compares: Non-Finnish European, 0.31%; no homozygotes.

Submission:

CeGaT Center for Human Genetics Tuebingen
Classification: Likely benign. Last evaluated: 2026-01-01. Review status: criteria provided, single submitter. Criteria: CeGaT Center For Human Genetics Tuebingen Variant Classification Criteria Version 2. Collection method: clinical testing. Allele origin: germline. Affected: yes. Observed: 12 variant alleles.
Comment: PMP22: BP4, BP7